The following is an entry in ClinVar:

NM_001386140.1(MTTP):c.216T>G (p.Pro72=)

Gene: MTTP (microsomal triglyceride transfer protein; plus strand). Cytogenetic location: 4q23.
Variant type: single nucleotide variant.
Coding change: c.216T>G on transcript NM_001386140.1 (MANE Select); coding-DNA position 216, T replaced by G.
Protein change: p.Pro72=; no amino-acid change (proline 72 retained).
Molecular consequence: synonymous variant. On other transcripts: 5 prime UTR variant (1).
Genome position (GRCh38, 1-based): chr4:99,582,059, T>G. VCF-style: chr4-99582059-T-G. GRCh37 (hg19) VCF-style: chr4-100503216-T-G.
Other names: c.216T>G, p.Pro72= (NM_000253.4); c.-34T>G (NM_001300785.2).
Identifiers: ClinVar variation 1107337 (VCV001107337.22), dbSNP rs146493676, ClinGen allele CA3021768.

ClinVar aggregate classification (germline): Likely benign. Review status: criteria provided, multiple submitters, no conflicts (2 of 4 stars). 3 submissions from 3 submitters: Likely benign (3). Last evaluated 2025-09-03.

Allele frequency attached by ClinVar (database versions not stated): gnomAD exomes 0.00004; ExAC 0.00005; gnomAD 0.00017 and 0.00019; TOPMed 0.00020; ESP Exome Variant Server 0.00046.
gnomAD v4.1: 50 of 1,614,052 alleles (0.0031%); highest among the groups gnomAD compares: African/African-American, 0.061%; no homozygotes.

Submissions (3):

Labcorp Genetics (formerly Invitae), Labcorp
Classification: Likely benign. Last evaluated: 2025-09-03. Review status: criteria provided, single submitter. Criteria: Invitae Variant Classification Sherloc (09022015). Collection method: clinical testing. Allele origin: germline.

CeGaT Center for Human Genetics Tuebingen
Classification: Likely benign. Last evaluated: 2024-09-01. Review status: criteria provided, single submitter. Criteria: CeGaT Center For Human Genetics Tuebingen Variant Classification Criteria Version 2. Collection method: clinical testing. Allele origin: germline. Affected: yes. Observed: 1 variant allele.
Comment: MTTP: BP4, BP7

Blueprint Genetics
Classification: Likely benign. Last evaluated: 2022-11-02. Review status: criteria provided, single submitter. Criteria: ACMG Guidelines, 2015. Collection method: clinical testing. Allele origin: germline.